The following is an entry in ClinVar:

NM_017534.6(MYH2):c.4988T>C (p.Leu1663Pro)

Genes: MYH2 (myosin heavy chain 2; minus strand), MYHAS (myosin heavy chain gene cluster antisense RNA; plus strand), LOC126862500 (BRD4-independent group 4 enhancer GRCh37_chr17:10427829-10429028; plus strand). Cytogenetic location: 17p13.1.
Variant type: single nucleotide variant.
Coding change: c.4988T>C on transcript NM_017534.6 (MANE Select); coding-DNA position 4988, T replaced by C.
Protein change: p.Leu1663Pro; replaces leucine 1663 with proline.
Molecular consequence: missense variant.
Genome position (GRCh38, 1-based): chr17:10,524,653, A>G on the plus strand (T>C on the coding strand, the complement: MYH2 is on the minus strand). VCF-style: chr17-10524653-A-G. GRCh37 (hg19) VCF-style: chr17-10427970-A-G.
Other names: c.4988T>C, p.Leu1663Pro (NM_001100112.2); short protein forms L1663P.
Identifiers: ClinVar variation 4737894 (VCV004737894.1).

ClinVar aggregate classification (germline): Uncertain significance (1 of 4 stars; one submission).

Conditions:
Myopathy, proximal, and ophthalmoplegia (CMYO6). Also called: MYOPATHY WITH CONGENITAL JOINT CONTRACTURES, OPHTHALMOPLEGIA, AND RIMMED VACUOLES; INCLUSION BODY MYOPATHY 3, AUTOSOMAL DOMINANT; CONGENITAL MYOPATHY 6 WITH OPHTHALMOPLEGIA. Identifiers: Orphanet 363677, Orphanet 79091, MedGen C1854106, MONDO:0011577, OMIM 605637.

Submission:

Labcorp Genetics (formerly Invitae), Labcorp
Classification: Uncertain significance for Myopathy, proximal, and ophthalmoplegia. Last evaluated: 2025-05-31. Review status: criteria provided, single submitter. Criteria: Invitae Variant Classification Sherloc (09022015). Collection method: clinical testing. Allele origin: germline.
Comment: This sequence change replaces leucine, which is neutral and non-polar, with proline, which is neutral and non-polar, at codon 1663 of the MYH2 protein (p.Leu1663Pro). This variant is not present in population databases (gnomAD no frequency). This variant has not been reported in the literature in individuals affected with MYH2-related conditions. Invitae Evidence Modeling of protein sequence and biophysical properties (such as structural, functional, and spatial information, amino acid conservation, physicochemical variation, residue mobility, and thermodynamic stability) indicates that this missense variant is expected to disrupt MYH2 protein function with a positive predictive value of 80%. In summary, the available evidence is currently insufficient to determine the role of this variant in disease. Therefore, it has been classified as a Variant of Uncertain Significance.